The following is an entry in ClinVar:

NM_015443.4(KANSL1):c.2768A>G (p.Lys923Arg)

Gene: KANSL1 (KAT8 regulatory NSL complex subunit 1). Cytogenetic location: 17q21.31.
Variant type: single nucleotide variant.
Coding change: c.2768A>G on transcript NM_015443.4 (MANE Select); coding-DNA position 2768, A replaced by G.
Protein change: p.Lys923Arg; replaces lysine 923 with arginine.
Molecular consequence: missense variant.
Genome position (GRCh38, 1-based): chr17:46,033,149, T>C on the plus strand (A>G on the coding strand, the complement: KANSL1 is on the minus strand). VCF-style: chr17-46033149-T-C. GRCh37 (hg19) VCF-style: chr17-44110515-T-C.
Other names: c.2765A>G, p.Lys922Arg (NM_001193465.2); c.2768A>G, p.Lys923Arg (NM_001193466.2, NM_001379198.1); short protein forms K923R, K922R.
Identifiers: ClinVar variation 509794 (VCV000509794.1), dbSNP rs1555731268, ClinGen allele CA399987713.

ClinVar aggregate classification (germline): Likely benign (1 of 4 stars; one submission).

Submission:

GeneDx
Classification: Likely benign. Last evaluated: 2017-05-26. Review status: criteria provided, single submitter. Criteria: GeneDx Variant Classification (06012015). Collection method: clinical testing. Allele origin: germline. Affected: yes.
Comment: This variant is considered likely benign or benign based on one or more of the following criteria: it is a conservative change, it occurs at a poorly conserved position in the protein, it is predicted to be benign by multiple in silico algorithms, and/or has population frequency not consistent with disease.